The following is an entry in ClinVar:

ClinVar aggregate classification (germline): Uncertain significance (1 of 4 stars; one submission).

gnomAD v4.1: 1 of 1,613,656 alleles (0.000062%); highest among the groups gnomAD compares: East Asian, 0.0022%; no homozygotes.

Submission:

Ambry Genetics
Classification: Uncertain significance. Last evaluated: 2024-11-10. Review status: criteria provided, single submitter. Criteria: Ambry Variant Classification Scheme 2023. Collection method: clinical testing. Allele origin: germline.
Comment: The p.P2458R variant (also known as c.7373C>G), located in coding exon 27 of the POLQ gene, results from a C to G substitution at nucleotide position 7373. The proline at codon 2458 is replaced by arginine, an amino acid with dissimilar properties. This amino acid position is conserved. In addition, the in silico prediction for this alteration is inconclusive. Based on the available evidence, the clinical significance of this variant remains unclear.

NM_199420.4(POLQ):c.7373C>G (p.Pro2458Arg)

Gene: POLQ (DNA polymerase theta; minus strand). Cytogenetic location: 3q13.33.
Variant type: single nucleotide variant.
Coding change: c.7373C>G on transcript NM_199420.4 (MANE Select); coding-DNA position 7373, C replaced by G.
Protein change: p.Pro2458Arg; replaces proline 2458 with arginine.
Molecular consequence: missense variant.
Genome position (GRCh38, 1-based): chr3:121,440,008, G>C on the plus strand (C>G on the coding strand, the complement: POLQ is on the minus strand). VCF-style: chr3-121440008-G-C. GRCh37 (hg19) VCF-style: chr3-121158855-G-C.
Other names: short protein forms P2458R.
Identifiers: ClinVar variation 3422655 (VCV003422655.1).